The following is an entry in ClinVar:

NM_002439.5(MSH3):c.1851del (p.Lys617fs)

Gene: MSH3 (mutS homolog 3; plus strand). Cytogenetic location: 5q14.1.
Variant type: Deletion.
Coding change: c.1851del on transcript NM_002439.5 (MANE Select); coding-DNA position 1851, one base deleted (A; older notation c.1851delA).
Protein change: p.Lys617fs; shifts the reading frame from lysine 617.
Molecular consequence: frameshift variant.
Genome position (GRCh38, 1-based): chr5:80,761,633, A deleted; the last of 3 consecutive A bases (chr5:80,761,631-80,761,633); deleting any one gives the same sequence. VCF-style (leftmost placement, unchanged base first): chr5-80761630-TA-T. GRCh37 (hg19) VCF-style: chr5-80057449-TA-T.
Other names: short protein forms K617fs.
Identifiers: ClinVar variation 2673527 (VCV002673527.1), dbSNP rs2546770059, ClinGen allele CA2695198667.

ClinVar aggregate classification (germline): Pathogenic (1 of 4 stars; one submission).

Conditions:
Familial adenomatous polyposis 4 (FAP4). Also called: MSH3-related attenuated familial adenomatous polyposis. Identifiers: Orphanet 480536, MedGen C4310719, MONDO:0044300, OMIM 617100.

Submission:

Myriad Genetics, Inc.
Classification: Pathogenic for Familial adenomatous polyposis 4. Last evaluated: 2023-08-30. Review status: criteria provided, single submitter. Criteria: Myriad Autosomal Dominant, Autosomal Recessive and X-Linked Classification Criteria (2023). Collection method: clinical testing. Allele origin: unknown.
Comment: This variant is considered pathogenic. This variant creates a frameshift predicted to result in premature protein truncation.